The following is an entry in ClinVar:

ClinVar aggregate classification (germline): Uncertain significance. Review status: criteria provided, multiple submitters, no conflicts (2 of 4 stars). 2 submissions from 2 submitters: Uncertain significance (2). Last evaluated 2025-02-07.

Conditions:
MC4R-related disorder. Also called: MC4R-related condition.

Submissions (2):

Ambry Genetics
Classification: Uncertain significance. Last evaluated: 2025-02-07. Review status: criteria provided, single submitter. Criteria: Ambry Variant Classification Scheme 2023. Collection method: clinical testing. Allele origin: germline.

PreventionGenetics, part of Exact Sciences
Classification: Uncertain significance for MC4R-related condition. Last evaluated: 2025-02-04. Review status: criteria provided, single submitter. Criteria: ACMG Guidelines, 2015. Collection method: clinical testing. Allele origin: germline.
Comment: The MC4R c.527C>T variant is predicted to result in the amino acid substitution p.Ala176Val. To our knowledge, this variant has not been reported in the literature. This variant is reported in 0.0080% of alleles in individuals of African descent in gnomAD. At this time, the clinical significance of this variant is uncertain due to the absence of conclusive functional and genetic evidence.

NM_005912.3(MC4R):c.527C>T (p.Ala176Val)

Gene: MC4R (melanocortin 4 receptor; minus strand). Cytogenetic location: 18q21.32.
Variant type: single nucleotide variant.
Coding change: c.527C>T on transcript NM_005912.3 (MANE Select); coding-DNA position 527, C replaced by T.
Protein change: p.Ala176Val; replaces alanine 176 with valine.
Molecular consequence: missense variant.
Genome position (GRCh38, 1-based): chr18:60,371,823, G>A on the plus strand (C>T on the coding strand, the complement: MC4R is on the minus strand). VCF-style: chr18-60371823-G-A. GRCh37 (hg19) VCF-style: chr18-58039056-G-A.
Other names: short protein forms A176V.
Identifiers: ClinVar variation 3871157 (VCV003871157.2).